The following is an entry in ClinVar:

ClinVar aggregate classification (germline): Uncertain significance (1 of 4 stars; one submission).

Submission:

Women's Health and Genetics/Laboratory Corporation of America, LabCorp
Classification: Uncertain significance. Last evaluated: 2026-03-02. Review status: criteria provided, single submitter. Criteria: LabCorp Variant Classification Summary - May 2015. Collection method: clinical testing. Allele origin: germline.
Comment: Variant summary: GDAP1 c.*19G>A is located in the untranslated mRNA region downstream of the termination codon. The variant allele was found at a frequency of 0.00016 in 247042 control chromosomes. This frequency is not significantly higher than estimated for disease-causing variants in GDAP1, allowing no conclusion about variant significance. To our knowledge, no occurrence of c.*19G>A in individuals affected with GDAP1-related conditions and no experimental evidence demonstrating its impact on protein function have been reported. No submitters have cited clinical-significance assessments for this variant to ClinVar. Based on the evidence outlined above, the variant was classified as uncertain significance.

NM_018972.4(GDAP1):c.*19G>A

Gene: GDAP1 (ganglioside induced differentiation associated protein 1; plus strand). Cytogenetic location: 8q21.11.
Variant type: single nucleotide variant.
Coding change: c.*19G>A on transcript NM_018972.4 (MANE Select); 19 bases downstream of the stop codon, G replaced by A.
Molecular consequence: 3 prime UTR variant. On other transcripts: intron variant (1).
Genome position (GRCh38, 1-based): chr8:74,364,386, G>A. VCF-style: chr8-74364386-G-A. GRCh37 (hg19) VCF-style: chr8-75276621-G-A.
Other names: c.*19G>A (NM_001040875.4, NM_001362929.2, NM_001362930.2 and 1 more transcripts); c.694+1333G>A (NM_001362931.2).
Identifiers: ClinVar variation 4847575 (VCV004847575.1).